The following is an entry in ClinVar:

ClinVar aggregate classification (germline): Uncertain significance (1 of 4 stars; one submission).

Conditions:
Peroxisome biogenesis disorder 2B (PBD2B). Identifiers: Orphanet 44, MedGen C3550234, MONDO:0008736, OMIM 202370.

Allele frequency attached by ClinVar (database versions not stated): gnomAD exomes below 0.00001; gnomAD 0.00001.
gnomAD v4.1: 6 of 1,474,872 alleles (0.00041%); highest among the groups gnomAD compares: African/African-American, 0.0019%; no homozygotes.

Submission:

Labcorp Genetics (formerly Invitae), Labcorp
Classification: Uncertain significance for Peroxisome biogenesis disorder 2B. Last evaluated: 2022-08-16. Review status: criteria provided, single submitter. Criteria: Invitae Variant Classification Sherloc (09022015). Collection method: clinical testing. Allele origin: germline.
Comment: Algorithms developed to predict the effect of missense changes on protein structure and function (SIFT, PolyPhen-2, Align-GVGD) all suggest that this variant is likely to be tolerated. This variant has not been reported in the literature in individuals affected with PEX5-related conditions. This variant is not present in population databases (gnomAD no frequency). This sequence change replaces glutamine, which is neutral and polar, with arginine, which is basic and polar, at codon 537 of the PEX5 protein (p.Gln537Arg). In summary, the available evidence is currently insufficient to determine the role of this variant in disease. Therefore, it has been classified as a Variant of Uncertain Significance.

NM_001351132.2(PEX5):c.1610A>G (p.Gln537Arg)

Gene: PEX5 (peroxisomal biogenesis factor 5; plus strand). Cytogenetic location: 12p13.31.
Variant type: single nucleotide variant.
Coding change: c.1610A>G on transcript NM_001351132.2 (MANE Select); coding-DNA position 1610, A replaced by G.
Protein change: p.Gln537Arg; replaces glutamine 537 with arginine.
Molecular consequence: missense variant.
Genome position (GRCh38, 1-based): chr12:7,209,732, A>G. VCF-style: chr12-7209732-A-G. GRCh37 (hg19) VCF-style: chr12-7362328-A-G.
Other names: c.1586A>G, p.Gln529Arg (NM_000319.5); c.1655A>G, p.Gln552Arg (NM_001131023.2); c.1499A>G, p.Gln500Arg (NM_001131024.2, NM_001351124.3, NM_001351126.2 and 7 more transcripts); c.1610A>G, p.Gln537Arg (NM_001131025.2, NM_001131026.2, NM_001300789.3 and 4 more transcripts); c.1544A>G, p.Gln515Arg (NM_001351135.3, NM_001351138.2); c.1601A>G, p.Gln534Arg (NM_001351136.2); c.1475A>G, p.Gln492Arg (NM_001351139.2, NM_001351140.2, NM_001374649.2); short protein forms Q515R, Q529R, Q534R, Q500R, Q537R, Q492R, Q552R.
Identifiers: ClinVar variation 2193439 (VCV002193439.2), dbSNP rs1945296254, ClinGen allele CA383737982.
Genomic context (GRCh38, chr12:7,209,732, plus strand): 5'-CCCTATCCCAGGACTATTTGCTGTGGAATAAGCTAGGCGCCACCCTGGCCAATGGAAACC[A>G]GAGTGAAGAAGCAGTAGCTGCGTACCGCCGGGCCCTCGAGCTCCAGCCTGGCTATATCCG-3'
Protein context (NP_001338061.1, residues 527-547): KLGATLANGN[Gln537Arg]SEEAVAAYRR